The following is an entry in ClinVar:

NM_033637.4(BTRC):c.710C>G (p.Ser237Cys)

Gene: BTRC (beta-transducin repeat containing E3 ubiquitin protein ligase; plus strand). Cytogenetic location: 10q24.32.
Variant type: single nucleotide variant.
Coding change: c.710C>G on transcript NM_033637.4 (MANE Select); coding-DNA position 710, C replaced by G.
Protein change: p.Ser237Cys; replaces serine 237 with cysteine.
Molecular consequence: missense variant.
Genome position (GRCh38, 1-based): chr10:101,526,166, C>G. VCF-style: chr10-101526166-C-G. GRCh37 (hg19) VCF-style: chr10-103285923-C-G.
Other names: c.632C>G, p.Ser211Cys (NM_001256856.2); c.602C>G, p.Ser201Cys (NM_003939.5); short protein forms S211C, S201C, S237C.
Identifiers: ClinVar variation 3664359 (VCV003664359.2).

ClinVar aggregate classification (germline): Uncertain significance (1 of 4 stars; one submission).

Submission:

Labcorp Genetics (formerly Invitae), Labcorp
Classification: Uncertain significance. Last evaluated: 2025-06-09. Review status: criteria provided, single submitter. Criteria: Invitae Variant Classification Sherloc (09022015). Collection method: clinical testing. Allele origin: germline.
Comment: This sequence change replaces serine, which is neutral and polar, with cysteine, which is neutral and slightly polar, at codon 237 of the BTRC protein (p.Ser237Cys). This variant is not present in population databases (gnomAD no frequency). This variant has not been reported in the literature in individuals affected with BTRC-related conditions. ClinVar contains an entry for this variant (Variation ID: 3664359). An algorithm developed to predict the effect of missense changes on protein structure and function (PolyPhen-2) suggests that this variant is likely to be disruptive. In summary, the available evidence is currently insufficient to determine the role of this variant in disease. Therefore, it has been classified as a Variant of Uncertain Significance.